The following is an entry in ClinVar:

ClinVar aggregate classification (germline): Likely benign. Review status: criteria provided, multiple submitters, no conflicts (2 of 4 stars). 2 submissions from 2 submitters: Likely benign (2). Last evaluated 2016-07-27.

Allele frequency attached by ClinVar (database versions not stated): ExAC 0.00175; gnomAD 0.00075 and 0.00077; ESP Exome Variant Server 0.00024; gnomAD exomes 0.00134; TOPMed 0.00091; 1000 Genomes Project 30x 0.00016; 1000 Genomes Project 0.00020.
gnomAD v4.1: 1,059 of 1,574,706 alleles (0.067%); highest among the groups gnomAD compares: Middle Eastern, 1.3%; 13 homozygotes.

Submissions (2):

GeneDx
Classification: Likely benign. Last evaluated: 2016-07-27. Review status: criteria provided, single submitter. Criteria: GeneDx Variant Classification (06012015). Collection method: clinical testing. Allele origin: germline. Affected: yes.
Comment: This variant is considered likely benign or benign based on one or more of the following criteria: it is a conservative change, it occurs at a poorly conserved position in the protein, it is predicted to be benign by multiple in silico algorithms, and/or has population frequency not consistent with disease.

Breakthrough Genomics
Classification: Likely benign. Review status: criteria provided, single submitter. Criteria: ACMG Guidelines, 2015. Collection method: not provided. Allele origin: germline. Inheritance: Autosomal dominant inheritance. Affected: yes.

NM_201596.3(CACNB2):c.-30G>A

Gene: CACNB2 (calcium voltage-gated channel auxiliary subunit beta 2; plus strand). Cytogenetic location: 10p12.33.
Variant type: single nucleotide variant.
Coding change: c.-30G>A on transcript NM_201596.3 (MANE Select); 30 bases upstream of the start codon, G replaced by A.
Molecular consequence: 5 prime UTR variant.
Genome position (GRCh38, 1-based): chr10:18,140,707, G>A. VCF-style: chr10-18140707-G-A. GRCh37 (hg19) VCF-style: chr10-18429636-G-A.
Other names: c.-473G>A (NM_001167945.2, NM_201571.4, NM_201572.4); c.-30G>A (NM_201593.3, NM_201597.3).
Identifiers: ClinVar variation 190721 (VCV000190721.4), dbSNP rs373127841, ClinGen allele CA301833.
Genomic context (GRCh38, chr10:18,140,707, plus strand): 5'-GAGCCGATCAGAGCGCGGGGAGGCGGGGGCGAGGAGGAGGGGACCCGCCGCCGGGGGCTG[G>A]CTGCTTCGCTCCGAGCCGACTTTTCGCCAATGGTCCAAAGGGACATGTCCAAGTCGCCTC-3'